The following is an entry in ClinVar:

NM_006231.4(POLE):c.413A>T (p.Asp138Val)

Gene: POLE (DNA polymerase epsilon, catalytic subunit; minus strand). Cytogenetic location: 12q24.33.
Variant type: single nucleotide variant.
Coding change: c.413A>T on transcript NM_006231.4 (MANE Select); coding-DNA position 413, A replaced by T.
Protein change: p.Asp138Val; replaces aspartic acid 138 with valine.
Molecular consequence: missense variant.
Genome position (GRCh38, 1-based): chr12:132,679,964, T>A on the plus strand (A>T on the coding strand, the complement: POLE is on the minus strand). VCF-style: chr12-132679964-T-A. GRCh37 (hg19) VCF-style: chr12-133256550-T-A.
Other names: short protein forms D138V.
Identifiers: ClinVar variation 3225450 (VCV003225450.1), dbSNP rs2542190289, ClinGen allele CA387368018.

ClinVar aggregate classification (germline): Uncertain significance (1 of 4 stars; one submission).

Conditions:
Hereditary cancer-predisposing syndrome. Also called: Neoplastic Syndromes, Hereditary; Tumor predisposition; Hereditary neoplastic syndrome; Hereditary Cancer Syndrome. Identifiers: Orphanet 140162, MedGen C0027672, MeSH D009386, MONDO:0015356.

Submission:

Ambry Genetics
Classification: Uncertain significance for Hereditary cancer-predisposing syndrome. Last evaluated: 2022-12-09. Review status: criteria provided, single submitter. Criteria: Ambry Variant Classification Scheme 2023. Collection method: clinical testing. Allele origin: germline.
Comment: The p.D138V variant (also known as c.413A>T), located in coding exon 5 of the POLE gene, results from an A to T substitution at nucleotide position 413. The aspartic acid at codon 138 is replaced by valine, an amino acid with highly dissimilar properties. This amino acid position is conserved. In addition, this alteration is predicted to be deleterious by in silico analysis. Since supporting evidence is limited at this time, the clinical significance of this alteration remains unclear.